The following is an entry in ClinVar:

ClinVar aggregate classification (germline): Benign/Likely benign. Review status: criteria provided, multiple submitters, no conflicts (2 of 4 stars). 5 submissions from 5 submitters: Benign (1); Likely benign (3). 1 of the submissions does not count toward it. Last evaluated 2026-01-28.

Conditions:
3-methylcrotonyl-CoA carboxylase 1 deficiency (MCC1D). Also called: MCCD TYPE 1; METHYLCROTONYLGLYCINURIA TYPE I; MCC 1 deficiency; 3 Alpha methylcrotonylglycinuria 1. Identifiers: Orphanet 6, MedGen CN028786, MONDO:0008861, OMIM 210200.
MCCC1-related disorder. Also called: MCCC1-related condition.

Allele frequency attached by ClinVar (database versions not stated): gnomAD 0.00048; TOPMed 0.00049; 1000 Genomes Project 30x 0.00156; 1000 Genomes Project 0.00160.
gnomAD v4.1: 218 of 1,614,102 alleles (0.014%); highest among the groups gnomAD compares: East Asian, 0.36%; 2 homozygotes.

Submissions (5):

Labcorp Genetics (formerly Invitae), Labcorp
Classification: Benign for 3-methylcrotonyl-CoA carboxylase 1 deficiency. Last evaluated: 2026-01-28. Review status: criteria provided, single submitter. Criteria: Invitae Variant Classification Sherloc (09022015). Collection method: clinical testing. Allele origin: germline.

PreventionGenetics, part of Exact Sciences
Classification: Likely benign for MCCC1-related condition. Last evaluated: 2024-12-12. Review status: criteria provided, single submitter. Criteria: ACMG Guidelines, 2015. Collection method: clinical testing. Allele origin: germline.
Comment: This variant is classified as likely benign based on ACMG/AMP sequence variant interpretation guidelines (Richards et al. 2015 PMID: 25741868, with internal and published modifications).

GeneDx
Classification: Likely benign. Last evaluated: 2016-04-08. Review status: criteria provided, single submitter. Criteria: GeneDx Variant Classification (06012015). Collection method: clinical testing. Allele origin: germline. Affected: yes.
Comment: This variant is considered likely benign or benign based on one or more of the following criteria: it is a conservative change, it occurs at a poorly conserved position in the protein, it is predicted to be benign by multiple in silico algorithms, and/or has population frequency not consistent with disease.

Juno Genomics, Hangzhou Juno Genomics, Inc
Classification: Likely benign for 3-methylcrotonyl-CoA carboxylase 1 deficiency. Review status: criteria provided, single submitter. Criteria: ACMG Guidelines, 2015. Collection method: clinical testing. Allele origin: germline.
Comment: Multiple lines of computational evidence suggest no impact on gene or gene product.;A synonymous variant with no predicted impact on splicing.

Gene Friend Way, National Innovation Center
Classification: Likely benign. Last evaluated: 2023-07-28. Review status: no assertion criteria provided. Collection method: clinical testing. Allele origin: unknown. Affected: yes. Observed: 6 variant alleles. Not counted in ClinVar's aggregate classification.
Comment: minor Allele frequency of this variant is 0.013 in Vietnamese population (sample size 5000) which is relatively high for a pathogenic/likely pathogenic mutation. This variant is also synonymous therefore, we classified this as likely benign

NM_020166.5(MCCC1):c.945T>C (p.Tyr315=)

Gene: MCCC1 (methylcrotonyl-CoA carboxylase subunit 1; minus strand). Cytogenetic location: 3q27.1.
Variant type: single nucleotide variant.
Coding change: c.945T>C on transcript NM_020166.5 (MANE Select); coding-DNA position 945, T replaced by C.
Protein change: p.Tyr315=; no amino-acid change (tyrosine 315 retained).
Molecular consequence: synonymous variant. On other transcripts: non-coding transcript variant (2).
Genome position (GRCh38, 1-based): chr3:183,052,169, A>G on the plus strand (T>C on the coding strand, the complement: MCCC1 is on the minus strand). VCF-style: chr3-183052169-A-G. GRCh37 (hg19) VCF-style: chr3-182769957-A-G.
Other names: c.594T>C, p.Tyr198= (NM_001293273.2); c.618T>C, p.Tyr206= (NM_001363880.1).
Identifiers: ClinVar variation 384992 (VCV000384992.15), dbSNP rs150862707, ClinGen allele CA2718924.